The following is an entry in ClinVar:

ClinVar aggregate classification (germline): Uncertain significance. Review status: criteria provided, multiple submitters, no conflicts (2 of 4 stars). 3 submissions from 3 submitters: Uncertain significance (3). Last evaluated 2025-11-19.

Conditions:
Inborn genetic diseases. Identifiers: MedGen C0950123, MeSH D030342.
Leukocyte adhesion deficiency type II. Also called: CONGENITAL DISORDER OF GLYCOSYLATION, TYPE IIc; Congenital disorder of glycosylation type 2C; CDG 2C; Leukocyte adhesion deficiency type 2; Rambam Hasharon syndrome; CDG IIc. Identifiers: Orphanet 2968, Orphanet 99843, MedGen C0398739, MONDO:0009953, OMIM 266265.

Allele frequency attached by ClinVar (database versions not stated): gnomAD 0.00001; gnomAD exomes 0.00001 and 0.00002; TOPMed 0.00001; ExAC 0.00002.

Submissions (3):

Ambry Genetics
Classification: Uncertain significance for Inborn genetic diseases. Last evaluated: 2025-11-19. Review status: criteria provided, single submitter. Criteria: Ambry Variant Classification Scheme 2023. Collection method: clinical testing. Allele origin: germline.

Labcorp Genetics (formerly Invitae), Labcorp
Classification: Uncertain significance for Leukocyte adhesion deficiency type II. Last evaluated: 2021-01-10. Review status: criteria provided, single submitter. Criteria: Invitae Variant Classification Sherloc (09022015). Collection method: clinical testing. Allele origin: germline.
Comment: In summary, the available evidence is currently insufficient to determine the role of this variant in disease. Therefore, it has been classified as a Variant of Uncertain Significance. Algorithms developed to predict the effect of sequence changes on RNA splicing suggest that this variant may create or strengthen a splice site, but this prediction has not been confirmed by published transcriptional studies. Algorithms developed to predict the effect of missense changes on protein structure and function are either unavailable or do not agree on the potential impact of this missense change (SIFT: "Deleterious"; PolyPhen-2: "Probably Damaging"; Align-GVGD: "Class C0"). This variant has not been reported in the literature in individuals with SLC35C1-related conditions. This variant is present in population databases (rs757642463, ExAC 0.02%). This sequence change replaces glycine with serine at codon 333 of the SLC35C1 protein (p.Gly333Ser). The glycine residue is highly conserved and there is a small physicochemical difference between glycine and serine.

Baylor Genetics
Classification: Uncertain significance for Leukocyte adhesion deficiency type II. Last evaluated: 2018-01-13. Review status: criteria provided, single submitter. Criteria: ACMG Guidelines, 2015. Collection method: clinical testing. Allele origin: maternal. Affected: yes.
Comment: This variant was determined to be of uncertain significance according to ACMG Guidelines, 2015 [PMID:25741868].

NM_018389.5(SLC35C1):c.997G>A (p.Gly333Ser)

Gene: SLC35C1 (solute carrier family 35 member C1; plus strand). Cytogenetic location: 11p11.2.
Variant type: single nucleotide variant.
Coding change: c.997G>A on transcript NM_018389.5 (MANE Select); coding-DNA position 997, G replaced by A.
Protein change: p.Gly333Ser; replaces glycine 333 with serine.
Molecular consequence: missense variant.
Genome position (GRCh38, 1-based): chr11:45,811,237, G>A. VCF-style: chr11-45811237-G-A. GRCh37 (hg19) VCF-style: chr11-45832788-G-A.
Other names: c.958G>A, p.Gly320Ser (NM_001145265.2, NM_001145266.2); short protein forms G333S, G320S.
Identifiers: ClinVar variation 1032799 (VCV001032799.7), dbSNP rs757642463, ClinGen allele CA5958373.